The following is an entry in ClinVar:

NM_001012720.2(RGR):c.274G>A (p.Gly92Ser)

Gene: RGR (retinal G protein coupled receptor; plus strand). Cytogenetic location: 10q23.1.
Variant type: single nucleotide variant.
Coding change: c.274G>A on transcript NM_001012720.2 (MANE Select); coding-DNA position 274, G replaced by A.
Protein change: p.Gly92Ser; replaces glycine 92 with serine.
Molecular consequence: missense variant.
Genome position (GRCh38, 1-based): chr10:84,248,959, G>A. VCF-style: chr10-84248959-G-A. GRCh37 (hg19) VCF-style: chr10-86008715-G-A.
Other names: c.274G>A, p.Gly92Ser (NM_001012722.2); c.286G>A, p.Gly96Ser (NM_002921.4); short protein forms G92S, G96S.
Identifiers: ClinVar variation 955607 (VCV000955607.9), dbSNP rs550204029, ClinGen allele CA5581375.

ClinVar aggregate classification (germline): Uncertain significance. Review status: criteria provided, multiple submitters, no conflicts (2 of 4 stars). 2 submissions from 2 submitters: Uncertain significance (2). Last evaluated 2025-03-17.

Allele frequency attached by ClinVar (database versions not stated): gnomAD 0.00002 and 0.00003; gnomAD exomes 0.00002 and 0.00003; TOPMed 0.00002; ExAC 0.00003; 1000 Genomes Project 30x 0.00016; 1000 Genomes Project 0.00020.
gnomAD v4.1: 28 of 1,614,116 alleles (0.0017%); highest among the groups gnomAD compares: Admixed American, 0.0033%; no homozygotes.

Submissions (2):

Labcorp Genetics (formerly Invitae), Labcorp
Classification: Uncertain significance. Last evaluated: 2025-03-17. Review status: criteria provided, single submitter. Criteria: Invitae Variant Classification Sherloc (09022015). Collection method: clinical testing. Allele origin: germline.
Comment: This sequence change replaces glycine, which is neutral and non-polar, with serine, which is neutral and polar, at codon 92 of the RGR protein (p.Gly92Ser). This variant is present in population databases (rs550204029, gnomAD 0.008%). This missense change has been observed in individual(s) with autosomal recessive retinitis pigmentosa (PMID: 37734845). This variant is also known as c.286G>A p.Gly96Ser. ClinVar contains an entry for this variant (Variation ID: 955607). Experimental studies and prediction algorithms are not available or were not evaluated, and the functional significance of this variant is currently unknown. In summary, the available evidence is currently insufficient to determine the role of this variant in disease. Therefore, it has been classified as a Variant of Uncertain Significance.

Blueprint Genetics
Classification: Uncertain significance. Last evaluated: 2023-05-17. Review status: criteria provided, single submitter. Criteria: ACMG Guidelines, 2015. Collection method: clinical testing. Allele origin: germline.

Literature cited by the submitters: PubMed 37734845 (cited by Labcorp Genetics (formerly Invitae), Labcorp).